The following is an entry in ClinVar:

NM_005477.3(HCN4):c.1249C>T (p.Arg417Cys)

Gene: HCN4 (hyperpolarization activated cyclic nucleotide gated potassium channel 4; minus strand). Cytogenetic location: 15q24.1.
Variant type: single nucleotide variant.
Coding change: c.1249C>T on transcript NM_005477.3 (MANE Select); coding-DNA position 1249, C replaced by T.
Protein change: p.Arg417Cys; replaces arginine 417 with cysteine.
Molecular consequence: missense variant.
Genome position (GRCh38, 1-based): chr15:73,332,253, G>A on the plus strand (C>T on the coding strand, the complement: HCN4 is on the minus strand). VCF-style: chr15-73332253-G-A. GRCh37 (hg19) VCF-style: chr15-73624594-G-A.
Other names: c.1249C>T (NM_005477.2); short protein forms R417C.
Identifiers: ClinVar variation 3720809 (VCV003720809.4).

ClinVar aggregate classification (germline): Uncertain significance. Review status: criteria provided, multiple submitters, no conflicts (2 of 4 stars). 3 submissions from 3 submitters: Uncertain significance (3). Last evaluated 2026-03-27.

Conditions:
Cardiovascular phenotype. Identifiers: MedGen CN230736.
Brugada syndrome 8 (BRGDA8). Identifiers: Orphanet 130, MedGen C2751083, MONDO:0013148, OMIM 613123.

Submissions (3):

Molecular Diagnostic Laboratory for Inherited Cardiovascular Disease, Montreal Heart Institute
Classification: Uncertain significance for Cardiovascular phenotype. Last evaluated: 2026-03-27. Review status: criteria provided, single submitter. Criteria: ACMG Guidelines, 2015. Collection method: clinical testing. Allele origin: germline. Affected: yes.
Comment: PM1, PM2, PP3

Labcorp Genetics (formerly Invitae), Labcorp
Classification: Uncertain significance for Brugada syndrome 8. Last evaluated: 2024-09-29. Review status: criteria provided, single submitter. Criteria: Invitae Variant Classification Sherloc (09022015). Collection method: clinical testing. Allele origin: germline.
Comment: This sequence change replaces arginine, which is basic and polar, with cysteine, which is neutral and slightly polar, at codon 417 of the HCN4 protein (p.Arg417Cys). This variant is not present in population databases (gnomAD no frequency). This variant has not been reported in the literature in individuals affected with HCN4-related conditions. Invitae Evidence Modeling of protein sequence and biophysical properties (such as structural, functional, and spatial information, amino acid conservation, physicochemical variation, residue mobility, and thermodynamic stability) indicates that this missense variant is expected to disrupt HCN4 protein function with a positive predictive value of 80%. In summary, the available evidence is currently insufficient to determine the role of this variant in disease. Therefore, it has been classified as a Variant of Uncertain Significance.

Blueprint Genetics
Classification: Uncertain significance. Last evaluated: 2019-06-24. Review status: criteria provided, single submitter. Criteria: ACMG Guidelines, 2015. Collection method: clinical testing. Allele origin: germline.